The following is an entry in ClinVar:

ClinVar aggregate classification (germline): Likely benign (1 of 4 stars; one submission).

Submission:

CeGaT Center for Human Genetics Tuebingen
Classification: Likely benign. Last evaluated: 2025-01-01. Review status: criteria provided, single submitter. Criteria: CeGaT Center For Human Genetics Tuebingen Variant Classification Criteria Version 2. Collection method: clinical testing. Allele origin: germline. Affected: yes. Observed: 1 variant allele.
Comment: RASA4B: BP4, BP7

NM_001367767.2(RASA4B):c.780C>T (p.Asp260=)

Gene: RASA4B (RAS p21 protein activator 4B; minus strand). Cytogenetic location: 7q22.1.
Variant type: single nucleotide variant.
Coding change: c.780C>T on transcript NM_001367767.2 (MANE Select); coding-DNA position 780, C replaced by T.
Protein change: p.Asp260=; no amino-acid change (aspartic acid 260 retained).
Molecular consequence: synonymous variant.
Genome position (GRCh38, 1-based): chr7:102,496,922, G>A on the plus strand (C>T on the coding strand, the complement: RASA4B is on the minus strand). VCF-style: chr7-102496922-G-A. GRCh37 (hg19) VCF-style: chr7-102137369-G-A.
Other names: c.780C>T, p.Asp260= (NM_001277335.2).
Identifiers: ClinVar variation 3770969 (VCV003770969.13).
Genomic context (GRCh38, chr7:102,496,922, plus strand): 5'-GACCTCGTGGCACAGCAGGTGCACCAGTGGCTGGTAGTAGCTGGAGGGCAGCACCGTCTC[G>A]TCCCGCAGCCGCACCTCCAGCTGCAAGGAGCCCAGGTTGCCCCTGGAATGGGCAGCCTGT-3'
Protein context (NP_001354696.1, residues 250-270): GSLQLEVRLR[Asp260=]ETVLPSSYYQ